The following is an entry in ClinVar:

ClinVar aggregate classification (germline): Uncertain significance (1 of 4 stars; one submission).

gnomAD v4.1: 2 of 1,613,920 alleles (0.00012%); highest among the groups gnomAD compares: Admixed American, 0.0033%; no homozygotes.

Submission:

Women's Health and Genetics/Laboratory Corporation of America, LabCorp
Classification: Uncertain significance. Last evaluated: 2025-07-15. Review status: criteria provided, single submitter. Criteria: LabCorp Variant Classification Summary - May 2015. Collection method: clinical testing. Allele origin: germline.
Comment: Variant summary: ABCC8 c.*17T>C is located in the untranslated mRNA region downstream of the termination codon. The variant allele was found at a frequency of 1.6e-05 in 251224 control chromosomes (gnomAD). The available data on variant occurrences in the general population are insufficient to allow any conclusion about variant significance. To our knowledge, no occurrence of c.*17T>C in individuals affected with Familial Hyperinsulinism and no experimental evidence demonstrating its impact on protein function have been reported. No submitters have cited clinical-significance assessments for this variant to ClinVar. Based on the evidence outlined above, the variant was classified as uncertain significance.

NM_000352.6(ABCC8):c.*17T>C

Gene: ABCC8 (ATP binding cassette subfamily C member 8; minus strand). Cytogenetic location: 11p15.1.
Variant type: single nucleotide variant.
Coding change: c.*17T>C on transcript NM_000352.6 (MANE Select); 17 bases downstream of the stop codon, T replaced by C.
Molecular consequence: 3 prime UTR variant. On other transcripts: non-coding transcript variant (1).
Genome position (GRCh38, 1-based): chr11:17,392,974, A>G on the plus strand (T>C on the coding strand, the complement: ABCC8 is on the minus strand). VCF-style: chr11-17392974-A-G. GRCh37 (hg19) VCF-style: chr11-17414521-A-G.
Other names: c.*17T>C (NM_001287174.3, NM_001351295.2, NM_001351296.2 and 1 more transcripts).
Identifiers: ClinVar variation 4525877 (VCV004525877.1).